The following is an entry in ClinVar:

ClinVar aggregate classification (germline): Benign/Likely benign. Review status: criteria provided, multiple submitters, no conflicts (2 of 4 stars). 9 submissions from 9 submitters: Benign (3); Likely benign (6). Last evaluated 2026-06-01.

Conditions:
Cardiovascular phenotype. Identifiers: MedGen CN230736.
Brugada syndrome 5 (BRGDA5). Identifiers: Orphanet 130, Orphanet 871, MedGen C2748541, MONDO:0013015, OMIM 612838.

Allele frequency attached by ClinVar (database versions not stated): 1000 Genomes Project 0.00100; TOPMed 0.00119; gnomAD 0.00107 and 0.00117; gnomAD exomes 0.00012 and 0.00026; ExAC 0.00035; ESP Exome Variant Server 0.00108; 1000 Genomes Project 30x 0.00172.
gnomAD v4.1: 347 of 1,612,910 alleles (0.022%); highest among the groups gnomAD compares: African/African-American, 0.42%; 2 homozygotes.

Submissions (9):

CeGaT Center for Human Genetics Tuebingen
Classification: Likely benign. Last evaluated: 2026-06-01. Review status: criteria provided, single submitter. Criteria: CeGaT Center For Human Genetics Tuebingen Variant Classification Criteria Version 2. Collection method: clinical testing. Allele origin: germline. Affected: yes. Observed: 3 variant alleles.
Comment: SCN1B: BP4, BP7

Labcorp Genetics (formerly Invitae), Labcorp
Classification: Likely benign for Brugada syndrome 5. Last evaluated: 2026-01-25. Review status: criteria provided, single submitter. Criteria: Invitae Variant Classification Sherloc (09022015). Collection method: clinical testing. Allele origin: germline.

Blueprint Genetics
Classification: Likely benign. Last evaluated: 2024-09-23. Review status: criteria provided, single submitter. Criteria: ACMG Guidelines, 2015. Collection method: clinical testing. Allele origin: germline.

ARUP Laboratories, Molecular Genetics and Genomics, ARUP Laboratories
Classification: Likely benign. Last evaluated: 2019-11-11. Review status: criteria provided, single submitter. Criteria: ARUP Molecular Germline Variant Investigation Process. Collection method: clinical testing. Allele origin: germline.

Eurofins Ntd Llc (ga)
Classification: Benign. Last evaluated: 2018-03-12. Review status: criteria provided, single submitter. Criteria: EGL ClinVar v180209 classification definitions. Collection method: clinical testing. Allele origin: germline. Observed: 1 variant allele, 1 heterozygote.

Ambry Genetics
Classification: Likely benign for Cardiovascular phenotype. Last evaluated: 2017-06-22. Review status: criteria provided, single submitter. Criteria: Ambry Variant Classification Scheme 2023. Collection method: clinical testing. Allele origin: germline.

Athena Diagnostics
Classification: Benign. Last evaluated: 2016-08-18. Review status: criteria provided, single submitter. Criteria: Athena Diagnostics Criteria. Collection method: clinical testing. Allele origin: germline.

GeneDx
Classification: Benign. Last evaluated: 2013-07-16. Review status: criteria provided, single submitter. Criteria: GeneDx Variant Classification (06012015). Collection method: clinical testing. Allele origin: germline. Affected: yes.
Comment: This variant is considered likely benign or benign based on one or more of the following criteria: it is a conservative change, it occurs at a poorly conserved position in the protein, it is predicted to be benign by multiple in silico algorithms, and/or has population frequency not consistent with disease.

PreventionGenetics, part of Exact Sciences
Classification: Likely benign. Review status: criteria provided, single submitter. Criteria: ACMG Guidelines, 2015. Collection method: clinical testing. Allele origin: germline.

NM_001037.5(SCN1B):c.588T>C (p.Asn196=)

Gene: SCN1B (sodium voltage-gated channel beta subunit 1; plus strand). Cytogenetic location: 19q13.11.
Variant type: single nucleotide variant.
Coding change: c.588T>C on transcript NM_001037.5 (MANE Select); coding-DNA position 588, T replaced by C.
Protein change: p.Asn196=; no amino-acid change (asparagine 196 retained).
Molecular consequence: synonymous variant.
Genome position (GRCh38, 1-based): chr19:35,039,256, T>C. VCF-style: chr19-35039256-T-C. GRCh37 (hg19) VCF-style: chr19-35530160-T-C.
Other names: p.N196N:AAT>AAC; c.489T>C, p.Asn163= (NM_001321605.2).
Identifiers: ClinVar variation 139005 (VCV000139005.56), dbSNP rs77244433, ClinGen allele CA293231.
Genomic context (GRCh38, chr19:35,039,256, plus strand): 5'-AGAGATGATTTACTGCTACAAGAAGATCGCTGCCGCCACGGAGACTGCTGCACAGGAGAA[T>C]GCGTGAGTAGGGTGGCTGGGAGGTGGGAGGGCACCCAGGGCACCGTCACACTTGCCAGAG-3'
Protein context (NP_001028.1, residues 186-206): AAATETAAQE[Asn196=]ASEYLAITSE